The following is an entry in ClinVar:

NM_015102.5(NPHP4):c.210C>G (p.Phe70Leu)

Gene: NPHP4 (nephrocystin 4; minus strand). Cytogenetic location: 1p36.31.
Variant type: single nucleotide variant.
Coding change: c.210C>G on transcript NM_015102.5 (MANE Select); coding-DNA position 210, C replaced by G.
Protein change: p.Phe70Leu; replaces phenylalanine 70 with leucine.
Molecular consequence: missense variant. On other transcripts: 5 prime UTR variant (1), non-coding transcript variant (1), intron variant (1).
Genome position (GRCh38, 1-based): chr1:5,978,339, G>C on the plus strand (C>G on the coding strand, the complement: NPHP4 is on the minus strand). VCF-style: chr1-5978339-G-C. GRCh37 (hg19) VCF-style: chr1-6038399-G-C.
Other names: c.-1020C>G (NM_001291593.2); c.-1087-9080C>G (NM_001291594.2); short protein forms F70L.
Identifiers: ClinVar variation 1365975 (VCV001365975.6), dbSNP rs2102372665, ClinGen allele CA338053118.

ClinVar aggregate classification (germline): Uncertain significance (1 of 4 stars; one submission).

Conditions:
Nephronophthisis. Also called: Juvenile Nephronophthisis. Identifiers: Orphanet 655, MedGen C0687120, MONDO:0019005, HP:0000090.

Submission:

Labcorp Genetics (formerly Invitae), Labcorp
Classification: Uncertain significance for Nephronophthisis. Last evaluated: 2023-07-17. Review status: criteria provided, single submitter. Criteria: Invitae Variant Classification Sherloc (09022015). Collection method: clinical testing. Allele origin: germline.
Comment: This variant has not been reported in the literature in individuals affected with NPHP4-related conditions. This sequence change replaces phenylalanine, which is neutral and non-polar, with leucine, which is neutral and non-polar, at codon 70 of the NPHP4 protein (p.Phe70Leu). This variant is not present in population databases (gnomAD no frequency). ClinVar contains an entry for this variant (Variation ID: 1365975). Advanced modeling of protein sequence and biophysical properties (such as structural, functional, and spatial information, amino acid conservation, physicochemical variation, residue mobility, and thermodynamic stability) performed at Invitae indicates that this missense variant is expected to disrupt NPHP4 protein function. In summary, the available evidence is currently insufficient to determine the role of this variant in disease. Therefore, it has been classified as a Variant of Uncertain Significance.